The following is an entry in ClinVar:

ClinVar aggregate classification (germline): Uncertain significance (1 of 4 stars; one submission).

Conditions:
Hereditary cancer-predisposing syndrome. Also called: Neoplastic Syndromes, Hereditary; Tumor predisposition; Hereditary Cancer Syndrome; Hereditary neoplastic syndrome. Identifiers: Orphanet 140162, MedGen C0027672, MeSH D009386, MONDO:0015356.

Submission:

Ambry Genetics
Classification: Uncertain significance for Hereditary cancer-predisposing syndrome. Last evaluated: 2025-06-19. Review status: criteria provided, single submitter. Criteria: Ambry Variant Classification Scheme 2023. Collection method: clinical testing. Allele origin: germline.
Comment: The p.G73V variant (also known as c.218G>T), located in coding exon 1 of the TMEM127 gene, results from a G to T substitution at nucleotide position 218. The glycine at codon 73 is replaced by valine, an amino acid with dissimilar properties. This amino acid position is conserved. In addition, this alteration is predicted to be deleterious by in silico analysis. Based on the available evidence, the clinical significance of this variant remains unclear.

NM_017849.4(TMEM127):c.218G>T (p.Gly73Val)

Gene: TMEM127 (transmembrane protein 127; minus strand). Cytogenetic location: 2q11.2.
Variant type: single nucleotide variant.
Coding change: c.218G>T on transcript NM_017849.4 (MANE Select); coding-DNA position 218, G replaced by T.
Protein change: p.Gly73Val; replaces glycine 73 with valine.
Molecular consequence: missense variant. On other transcripts: intron variant (1).
Genome position (GRCh38, 1-based): chr2:96,265,164, C>A on the plus strand (G>T on the coding strand, the complement: TMEM127 is on the minus strand). VCF-style: chr2-96265164-C-A. GRCh37 (hg19) VCF-style: chr2-96930902-C-A.
Other names: c.218G>T, p.Gly73Val (NM_001193304.3); c.-9+705G>T (NM_001407283.1); short protein forms G73V.
Identifiers: ClinVar variation 4185908 (VCV004185908.1).
Genomic context (GRCh38, chr2:96,265,164, plus strand): 5'-CGAGGCTTTAAGGGCCAGCGCGCAGCACCCTCACCTTTCAGCAGGTCCGGGTGCACATAG[C>A]CCAACACGTCGGAGACCCCCAGCTCCTGGCGCGAACAGGTGCCTCCGTGGATGTGCAACC-3'
Protein context (NP_060319.1, residues 63-83): RQELGVSDVL[Gly73Val]YVHPDLLKDF